The following is an entry in ClinVar:

ClinVar aggregate classification (germline): Likely benign. Review status: criteria provided, single submitter (1 of 4 stars). 2 submissions from 2 submitters: Likely benign (1). 1 of the submissions does not count toward it. Last evaluated 2025-01-29.

Conditions:
CACNA1D-related disorder.

Allele frequency attached by ClinVar (database versions not stated): TOPMed below 0.00001; gnomAD 0.00001; gnomAD exomes 0.00002; ExAC 0.00003.
gnomAD v4.1: 15 of 1,613,984 alleles (0.00093%); highest among the groups gnomAD compares: Non-Finnish European, 0.0013%; no homozygotes.

Submissions (2):

Labcorp Genetics (formerly Invitae), Labcorp
Classification: Likely benign. Last evaluated: 2025-01-29. Review status: criteria provided, single submitter. Criteria: Invitae Variant Classification Sherloc (09022015). Collection method: clinical testing. Allele origin: germline.

PreventionGenetics, part of Exact Sciences
Classification: Likely benign for CACNA1D-related condition. Last evaluated: 2020-10-12. Review status: no assertion criteria provided. Collection method: clinical testing. Allele origin: germline. Not counted in ClinVar's aggregate classification.
Comment: This variant is classified as likely benign based on ACMG/AMP sequence variant interpretation guidelines (Richards et al. 2015 PMID: 25741868, with internal and published modifications).

NM_001128840.3(CACNA1D):c.1728C>T (p.Ser576=)

Gene: CACNA1D (calcium voltage-gated channel subunit alpha1 D; plus strand). Cytogenetic location: 3p21.1.
Variant type: single nucleotide variant.
Coding change: c.1728C>T on transcript NM_001128840.3 (MANE Select); coding-DNA position 1728, C replaced by T.
Protein change: p.Ser576=; no amino-acid change (serine 576 retained).
Molecular consequence: synonymous variant.
Genome position (GRCh38, 1-based): chr3:53,723,495, C>T. VCF-style: chr3-53723495-C-T. GRCh37 (hg19) VCF-style: chr3-53757522-C-T.
Other names: c.1788C>T, p.Ser596= (NM_000720.4); c.1728C>T, p.Ser576= (NM_001128839.3).
Identifiers: ClinVar variation 3031668 (VCV003031668.4), dbSNP rs768526859, ClinGen allele CA2454064.